The following is an entry in ClinVar:

ClinVar aggregate classification (germline): Pathogenic (1 of 4 stars; one submission).

Conditions:
Mandibuloacral dysplasia progeroid syndrome. Identifiers: Orphanet 647667, MedGen C5436867, MONDO:0030880, OMIM 619127.

gnomAD v4.1: 3 of 1,534,200 alleles (0.0002%); highest among the groups gnomAD compares: East Asian, 0.007%; no homozygotes.

Submission:

3billion
Classification: Pathogenic for Mandibuloacral dysplasia progeroid syndrome. Last evaluated: 2025-12-08. Review status: criteria provided, single submitter. Criteria: ACMG Guidelines, 2015. Collection method: clinical testing. Allele origin: germline. Affected: yes.
Comment: The variant is observed at an extremely low frequency in the gnomAD v4.1.0 dataset (total allele frequency: <0.001%). Predicted Consequence/Location: Canonical splice site: predicted to alter splicing and result in a loss or disruption of normal protein function. Multiple pathogenic loss-of-function variants are reported downstream of the variant. In silico tools predict the variant to alter splicing and produce an abnormal transcript [SpliceAI: 1.00 (spliceogenicity >=0.2, non-spliceogenicity <0.1)]. The variant has been reported to be associated with MTX2-related disorder (PMID: 38544690). Therefore, this variant is classified as Pathogenic according to the recommendation of ACMG/AMP guideline.

Literature cited by the submitters: PubMed 38544690.

NM_006554.5(MTX2):c.378+1G>A

Gene: MTX2 (metaxin 2; plus strand). Cytogenetic location: 2q31.1.
Variant type: single nucleotide variant.
Coding change: c.378+1G>A on transcript NM_006554.5 (MANE Select); the canonical splice donor site of the intron after coding-DNA position 378, G replaced by A.
Molecular consequence: splice donor variant.
Genome position (GRCh38, 1-based): chr2:176,328,386, G>A. VCF-style: chr2-176328386-G-A. GRCh37 (hg19) VCF-style: chr2-177193114-G-A.
Other names: c.348+1G>A (NM_001006635.3); c.378+1G>A (NM_001319098.2, NM_001319097.2).
Identifiers: ClinVar variation 4856319 (VCV004856319.1).
Genomic context (GRCh38, chr2:176,328,386, plus strand): 5'-CAAAAAGCAGAAATGAAAGCTTACATGGAATTAGTCAACAATATGCTGTTGACTGCAGAG[G>A]TAAAATACTAGATGATACGGCTTGAAAATAAGCTTTTTCTCTCATTCTCATAAAATATAA-3'